The following is an entry in ClinVar:

NM_000538.4(RFXAP):c.290A>T (p.Asp97Val)

Gene: RFXAP (regulatory factor X associated protein; plus strand). Cytogenetic location: 13q13.3.
Variant type: single nucleotide variant.
Coding change: c.290A>T on transcript NM_000538.4 (MANE Select); coding-DNA position 290, A replaced by T.
Protein change: p.Asp97Val; replaces aspartic acid 97 with valine.
Molecular consequence: missense variant.
Genome position (GRCh38, 1-based): chr13:36,819,647, A>T. VCF-style: chr13-36819647-A-T. GRCh37 (hg19) VCF-style: chr13-37393784-A-T.
Other names: short protein forms D97V.
Identifiers: ClinVar variation 1961433 (VCV001961433.2), dbSNP rs2500443220, ClinGen allele CA387854539.
Genomic context (GRCh38, chr13:36,819,647, plus strand): 5'-GGGCCGGGGATGGCGAAGAGGAGGCTGGGGAGGACGAGGCGGACCTGTTAGACACTTCGG[A>T]CCCTCCGGGGGGAGGCGAGAGCGCGGCTAGTTTGGAGGATCTAGAGGACGAGGAGACTCA-3'
Protein context (NP_000529.1, residues 87-107): EDEADLLDTS[Asp97Val]PPGGGESAAS

ClinVar aggregate classification (germline): Uncertain significance (1 of 4 stars; one submission).

Conditions:
MHC class II deficiency. Also called: Bare lymphocyte syndrome 2; BLS, TYPE II. Identifiers: Orphanet 572, MedGen C5447452, MONDO:0008855.

Submission:

Labcorp Genetics (formerly Invitae), Labcorp
Classification: Uncertain significance for MHC class II deficiency. Last evaluated: 2022-03-11. Review status: criteria provided, single submitter. Criteria: Invitae Variant Classification Sherloc (09022015). Collection method: clinical testing. Allele origin: germline.
Comment: This sequence change replaces aspartic acid, which is acidic and polar, with valine, which is neutral and non-polar, at codon 97 of the RFXAP protein (p.Asp97Val). This variant is not present in population databases (gnomAD no frequency). This variant has not been reported in the literature in individuals affected with RFXAP-related conditions. Algorithms developed to predict the effect of missense changes on protein structure and function are either unavailable or do not agree on the potential impact of this missense change (SIFT: "Tolerated"; PolyPhen-2: "Probably Damaging"; Align-GVGD: "Class C0"). In summary, the available evidence is currently insufficient to determine the role of this variant in disease. Therefore, it has been classified as a Variant of Uncertain Significance.